The following is an entry in ClinVar:

ClinVar aggregate classification (germline): Uncertain significance (1 of 4 stars; one submission).

Allele frequency attached by ClinVar (database versions not stated): gnomAD exomes 0.00001; gnomAD 0.00002; TOPMed 0.00002.
gnomAD v4.1: 20 of 1,613,864 alleles (0.0012%); highest among the groups gnomAD compares: African/African-American, 0.004%; no homozygotes.

Submission:

Labcorp Genetics (formerly Invitae), Labcorp
Classification: Uncertain significance. Last evaluated: 2023-08-10. Review status: criteria provided, single submitter. Criteria: Invitae Variant Classification Sherloc (09022015). Collection method: clinical testing. Allele origin: germline.
Comment: This variant is present in population databases (no rsID available, gnomAD 0.003%). This variant has not been reported in the literature in individuals affected with GNMT-related conditions. ClinVar contains an entry for this variant (Variation ID: 2083938). Advanced modeling of protein sequence and biophysical properties (such as structural, functional, and spatial information, amino acid conservation, physicochemical variation, residue mobility, and thermodynamic stability) performed at Invitae indicates that this missense variant is expected to disrupt GNMT protein function. In summary, the available evidence is currently insufficient to determine the role of this variant in disease. Therefore, it has been classified as a Variant of Uncertain Significance. This sequence change replaces arginine, which is basic and polar, with tryptophan, which is neutral and slightly polar, at codon 242 of the GNMT protein (p.Arg242Trp).

NM_018960.6(GNMT):c.724C>T (p.Arg242Trp)

Genes: CNPY3-GNMT (CNPY3-GNMT readthrough; plus strand), GNMT (glycine N-methyltransferase; plus strand). Cytogenetic location: 6p21.1.
Variant type: single nucleotide variant.
Coding change: c.724C>T on transcript NM_018960.6 (MANE Select); coding-DNA position 724, C replaced by T.
Protein change: p.Arg242Trp; replaces arginine 242 with tryptophan.
Molecular consequence: missense variant. On other transcripts: non-coding transcript variant (4).
Genome position (GRCh38, 1-based): chr6:42,963,542, C>T. VCF-style: chr6-42963542-C-T. GRCh37 (hg19) VCF-style: chr6-42931280-C-T.
Other names: c.526C>T, p.Arg176Trp (NM_001318856.2); c.541C>T, p.Arg181Trp (NM_001318857.2); c.433C>T, p.Arg145Trp (NM_001318858.2); c.667C>T, p.Arg223Trp (NM_001318865.2); short protein forms R242W, R223W, R176W, R181W, R145W.
Identifiers: ClinVar variation 2083938 (VCV002083938.4), dbSNP rs946974235, ClinGen allele CA138218813.